The following is an entry in ClinVar:

ClinVar aggregate classification (germline): Likely benign (1 of 4 stars; one submission).

Allele frequency attached by ClinVar (database versions not stated): TOPMed below 0.00001; gnomAD exomes 0.00002.
gnomAD v4.1: 29 of 1,612,678 alleles (0.0018%); highest among the groups gnomAD compares: Non-Finnish European, 0.0024%; no homozygotes.

Submission:

CeGaT Center for Human Genetics Tuebingen
Classification: Likely benign. Last evaluated: 2024-10-01. Review status: criteria provided, single submitter. Criteria: CeGaT Center For Human Genetics Tuebingen Variant Classification Criteria Version 2. Collection method: clinical testing. Allele origin: germline. Affected: yes. Observed: 2 variant alleles.
Comment: BRD4: BP4, BP7

NM_001379291.1(BRD4):c.900T>C (p.Ile300=)

Gene: BRD4 (bromodomain containing 4; minus strand). Cytogenetic location: 19p13.12.
Variant type: single nucleotide variant.
Coding change: c.900T>C on transcript NM_001379291.1 (MANE Select); coding-DNA position 900, T replaced by C.
Protein change: p.Ile300=; no amino-acid change (isoleucine 300 retained).
Molecular consequence: synonymous variant.
Genome position (GRCh38, 1-based): chr19:15,264,716, A>G on the plus strand (T>C on the coding strand, the complement: BRD4 is on the minus strand). VCF-style: chr19-15264716-A-G. GRCh37 (hg19) VCF-style: chr19-15375527-A-G.
Other names: c.900T>C, p.Ile300= (NM_001330384.2, NM_001379292.1, NM_014299.3 and 1 more transcripts).
Identifiers: ClinVar variation 2649486 (VCV002649486.24), dbSNP rs200854612, ClinGen allele CA305775563.